The following is an entry in ClinVar:

ClinVar aggregate classification (germline): Likely pathogenic. Review status: reviewed by expert panel (3 of 4 stars). 3 submissions from 3 submitters: Likely pathogenic (1). 2 of the submissions do not count toward it. Last evaluated 2023-11-14.

Conditions:
Immunodeficiency 104. Also called: SCID, AUTOSOMAL RECESSIVE, T CELL-NEGATIVE, B CELL-POSITIVE, NK CELL-POSITIVE; Severe Combined Immune Deficiency, Autosomal Recessive, TCell -Negative, B Cell-Positive, NK Cell-Positive, IL7R-Related; Severe combined immunodeficiency, autosomal recessive, T cell-negative, B cell-positive, NK cell-positive; IMMUNODEFICIENCY 104, SEVERE COMBINED. Identifiers: MedGen C5676890, MONDO:0012163, OMIM 608971.

Submissions (3):

ClinGen Severe Combined Immunodeficiency Variant Curation Expert Panel, ClinGen
Classification: Likely pathogenic for Immunodeficiency 104. Last evaluated: 2023-11-14. Review status: reviewed by expert panel. Criteria: ClinGen SCID ACMG Specifications IL7R V1.0.0. Collection method: curation. Allele origin: germline. Inheritance: Autosomal recessive inheritance.
Comment: The c.704C>G (p.Ser235Ter)(NM_002185.5) variant in IL7R is a nonsense variant predicted to cause a premature stop codon in biologically-relevant-exon 5/8 leading to nonsense-mediated decay in a gene in which loss-of-function is an established disease mechanism (PVS1). This variant is absent from gnomAD v2.1.1 (PM2_Supporting). The variant has not been identified in the literature to our knowledge. In summary, this variant meets the criteria to be classified as likely pathogenic for SCID. ACMG/AMP criteria applied, as specified by the ClinGen SCID-VCEP: PVS1, PM2_Supporting. (VCEP specifications version 1).

Labcorp Genetics (formerly Invitae), Labcorp
Classification: Pathogenic for Immunodeficiency 104. Last evaluated: 2018-01-03. Review status: criteria provided, single submitter. Criteria: Invitae Variant Classification Sherloc (09022015). Collection method: clinical testing. Allele origin: germline. Not counted in ClinVar's aggregate classification.
Comment: This sequence change creates a premature translational stop signal (p.Ser235*) in the IL7R gene. It is expected to result in an absent or disrupted protein product. For these reasons, this variant has been classified as Pathogenic. Loss-of-function variants in IL7R are known to be pathogenic (PMID: 21664875, 26123418). This variant has not been reported in the literature in individuals with IL7R-related disease. This variant is not present in population databases (ExAC no frequency).

Rady Children's Institute for Genomic Medicine, Rady Children's Hospital San Diego
Classification: Pathogenic for SEVERE COMBINED IMMUNODEFICIENCY, AUTOSOMAL RECESSIVE, T CELL-NEGATIVE, B CELL-POSITIVE, NK CELL-POSITIVE. Last evaluated: 2017-12-29. Review status: criteria provided, single submitter. Criteria: ACMG Guidelines, 2015. Collection method: clinical testing. Allele origin: germline. Affected: yes. Observed: 1 variant allele. Not counted in ClinVar's aggregate classification.
Comment: This stop-gain variant is predicted to result in premature termination of the IL7R protein. This variant has not been previously reported in the literature to our knowledge, but other pathogenic stop-gain changes have been reported in the literature in association with severe combined immunodeficiency (PMID: 15615257, 27807805). This variant is absent from population databases, thus is presumed to be rare. Based on the overall evidence, we classified the c.704C>G (p.Ser235Ter) variant as pathogenic.

Literature cited by the submitters: PubMed 21664875 (cited by Labcorp Genetics (formerly Invitae), Labcorp); PubMed 26123418 (cited by Labcorp Genetics (formerly Invitae), Labcorp).

NM_002185.5(IL7R):c.704C>G (p.Ser235Ter)

Gene: IL7R (interleukin 7 receptor; plus strand). Cytogenetic location: 5p13.2.
Variant type: single nucleotide variant.
Coding change: c.704C>G on transcript NM_002185.5 (MANE Select); coding-DNA position 704, C replaced by G.
Protein change: p.Ser235Ter; replaces serine 235 with a stop codon.
Molecular consequence: nonsense.
Genome position (GRCh38, 1-based): chr5:35,873,646, C>G. VCF-style: chr5-35873646-C-G. GRCh37 (hg19) VCF-style: chr5-35873748-C-G.
Other names: NM_002185.5(IL7R):c.704C>G; p.Ser235Ter; short protein forms S235*.
Identifiers: ClinVar variation 578174 (VCV000578174.9), dbSNP rs766555082, ClinGen allele CA359431210.